The following is an entry in ClinVar:

ClinVar aggregate classification (germline): Uncertain significance. Review status: criteria provided, multiple submitters, no conflicts (2 of 4 stars). 2 submissions from 2 submitters: Uncertain significance (2). Last evaluated 2026-01-22.

Allele frequency attached by ClinVar (database versions not stated): ESP Exome Variant Server 0.00015; gnomAD exomes 0.00026; TOPMed 0.00032; ExAC 0.00035; gnomAD 0.00039.
gnomAD v4.1: 437 of 1,613,228 alleles (0.027%); highest among the groups gnomAD compares: Non-Finnish European, 0.029%; no homozygotes.

Submissions (2):

Labcorp Genetics (formerly Invitae), Labcorp
Classification: Uncertain significance. Last evaluated: 2026-01-22. Review status: criteria provided, single submitter. Criteria: Invitae Variant Classification Sherloc (09022015). Collection method: clinical testing. Allele origin: germline.
Comment: This sequence change replaces arginine, which is basic and polar, with glutamine, which is neutral and polar, at codon 31 of the UBE3B protein (p.Arg31Gln). This variant is present in population databases (rs139172208, gnomAD 0.2%). This variant has not been reported in the literature in individuals affected with UBE3B-related conditions. ClinVar contains an entry for this variant (Variation ID: 2110421). Invitae Evidence Modeling of protein sequence and biophysical properties (such as structural, functional, and spatial information, amino acid conservation, physicochemical variation, residue mobility, and thermodynamic stability) indicates that this missense variant is not expected to disrupt UBE3B protein function with a negative predictive value of 80%. In summary, the available evidence is currently insufficient to determine the role of this variant in disease. Therefore, it has been classified as a Variant of Uncertain Significance.

Blueprint Genetics
Classification: Uncertain significance. Last evaluated: 2024-11-23. Review status: criteria provided, single submitter. Criteria: ACMG Guidelines, 2015. Collection method: clinical testing. Allele origin: germline.

NM_130466.4(UBE3B):c.92G>A (p.Arg31Gln)

Gene: UBE3B (ubiquitin protein ligase E3B; plus strand). Cytogenetic location: 12q24.11.
Variant type: single nucleotide variant.
Coding change: c.92G>A on transcript NM_130466.4 (MANE Select); coding-DNA position 92, G replaced by A.
Protein change: p.Arg31Gln; replaces arginine 31 with glutamine.
Molecular consequence: missense variant.
Genome position (GRCh38, 1-based): chr12:109,483,643, G>A. VCF-style: chr12-109483643-G-A. GRCh37 (hg19) VCF-style: chr12-109921448-G-A.
Other names: c.92G>A, p.Arg31Gln (NM_001270449.2, NM_001270450.2, NM_001270451.2 and 1 more transcripts); short protein forms R31Q.
Identifiers: ClinVar variation 2110421 (VCV002110421.4), dbSNP rs139172208, ClinGen allele CA6777380.